The following is an entry in ClinVar:

ClinVar aggregate classification (germline): Conflicting classifications of pathogenicity. Review status: criteria provided, conflicting classifications (1 of 4 stars). 2 submissions from 2 submitters: Uncertain significance (1); Likely benign (1). Last evaluated 2025-12-03.

Conditions:
Hereditary cancer-predisposing syndrome. Also called: Neoplastic Syndromes, Hereditary; Hereditary Cancer Syndrome; Hereditary neoplastic syndrome; Tumor predisposition. Identifiers: Orphanet 140162, MedGen C0027672, MeSH D009386, MONDO:0015356.
Neurofibromatosis, type 2 (SWNV). Also called: BILATERAL ACOUSTIC NEUROFIBROMATOSIS; SCHWANNOMATOSIS, VESTIBULAR; NF2-Related Schwannomatosis. Identifiers: Orphanet 637, MedGen C0027832, MONDO:0007039, OMIM 101000. Disease mechanism: loss of function.

Allele frequency attached by ClinVar (database versions not stated): TOPMed below 0.00001; ExAC 0.00001; gnomAD exomes 0.00001.
gnomAD v4.1: 3 of 1,614,244 alleles (0.00019%); highest among the groups gnomAD compares: Admixed American, 0.0033%; no homozygotes.

Submissions (2):

Labcorp Genetics (formerly Invitae), Labcorp
Classification: Uncertain significance for Neurofibromatosis, type 2. Last evaluated: 2025-12-03. Review status: criteria provided, single submitter. Criteria: Invitae Variant Classification Sherloc (09022015). Collection method: clinical testing. Allele origin: germline.
Comment: This sequence change replaces histidine, which is basic and polar, with arginine, which is basic and polar, at codon 84 of the NF2 protein (p.His84Arg). This variant is present in population databases (rs773740023, gnomAD 0.006%). This variant has not been reported in the literature in individuals affected with NF2-related conditions. ClinVar contains an entry for this variant (Variation ID: 1014551). Invitae Evidence Modeling of protein sequence and biophysical properties (such as structural, functional, and spatial information, amino acid conservation, physicochemical variation, residue mobility, and thermodynamic stability) indicates that this missense variant is not expected to disrupt NF2 protein function with a negative predictive value of 80%. In summary, the available evidence is currently insufficient to determine the role of this variant in disease. Therefore, it has been classified as a Variant of Uncertain Significance.

Ambry Genetics
Classification: Likely benign for Hereditary cancer-predisposing syndrome. Last evaluated: 2023-07-22. Review status: criteria provided, single submitter. Criteria: Ambry Variant Classification Scheme 2023. Collection method: clinical testing. Allele origin: germline.

NM_000268.4(NF2):c.251A>G (p.His84Arg)

Gene: NF2 (NF2, moesin-ezrin-radixin like (MERLIN) tumor suppressor; plus strand). Cytogenetic location: 22q12.2.
Variant type: single nucleotide variant.
Coding change: c.251A>G on transcript NM_000268.4 (MANE Select); coding-DNA position 251, A replaced by G.
Protein change: p.His84Arg; replaces histidine 84 with arginine.
Molecular consequence: missense variant. On other transcripts: non-coding transcript variant (1), intron variant (3).
Genome position (GRCh38, 1-based): chr22:29,639,100, A>G. VCF-style: chr22-29639100-A-G. GRCh37 (hg19) VCF-style: chr22-30035089-A-G.
Other names: c.251A>G, p.His84Arg (NM_016418.5, NM_181825.3, NM_181832.3 and 1 more transcripts); c.125A>G, p.His42Arg (NM_181828.3); c.240+2224A>G (NM_181829.3); c.115-3102A>G (NM_181830.3, NM_181831.3); short protein forms H42R, H84R.
Identifiers: ClinVar variation 1014551 (VCV001014551.10), dbSNP rs773740023, ClinGen allele CA030442.